The following is an entry in ClinVar:

ClinVar aggregate classification (germline): Uncertain significance (1 of 4 stars; one submission).

Conditions:
Hereditary cancer-predisposing syndrome. Also called: Neoplastic Syndromes, Hereditary; Hereditary Cancer Syndrome; Hereditary neoplastic syndrome; Tumor predisposition. Identifiers: Orphanet 140162, MedGen C0027672, MeSH D009386, MONDO:0015356.

Allele frequency attached by ClinVar (database versions not stated): gnomAD exomes below 0.00001; ExAC 0.00001; TOPMed 0.00002.
gnomAD v4.1: 1 of 1,614,246 alleles (0.000062%); highest among the groups gnomAD compares: South Asian, 0.0011%; no homozygotes.

Submission:

Ambry Genetics
Classification: Uncertain significance for Hereditary cancer-predisposing syndrome. Last evaluated: 2017-08-29. Review status: criteria provided, single submitter. Criteria: Ambry Variant Classification Scheme 2023. Collection method: clinical testing. Allele origin: germline.
Comment: The p.V1590A variant (also known as c.4769T>C), located in coding exon 14 of the BRCA1 gene, results from a T to C substitution at nucleotide position 4769. The valine at codon 1590 is replaced by alanine, an amino acid with similar properties. This amino acid position is not well conserved in available vertebrate species. In addition, the in silico prediction for this alteration is inconclusive. Since supporting evidence is limited at this time, the clinical significance of this alteration remains unclear.

NM_007294.4(BRCA1):c.4769T>C (p.Val1590Ala)

Gene: BRCA1 (BRCA1 DNA repair associated; minus strand). Cytogenetic location: 17q21.31.
Variant type: single nucleotide variant.
Coding change: c.4769T>C on transcript NM_007294.4 (MANE Select); coding-DNA position 4769, T replaced by C.
Protein change: p.Val1590Ala; replaces valine 1590 with alanine.
Molecular consequence: missense variant. On other transcripts: non-coding transcript variant (1).
Genome position (GRCh38, 1-based): chr17:43,071,145, A>G on the plus strand (T>C on the coding strand, the complement: BRCA1 is on the minus strand). VCF-style: chr17-43071145-A-G. GRCh37 (hg19) VCF-style: chr17-41223162-A-G.
Other names: c.4625T>C, p.Val1542Ala (NM_001407751.1, NM_001407752.1, NM_001407732.1 and 21 more transcripts); c.4622T>C, p.Val1541Ala (NM_001407844.1, NM_001407845.1, NM_001407839.1 and 12 more transcripts); c.1319T>C, p.Val440Ala (NM_001408453.1, NM_001408457.1, NM_001408452.1 and 3 more transcripts); c.4433T>C, p.Val1478Ala (NM_001407954.1, NM_001407955.1, NM_001407950.1 and 3 more transcripts); c.4430T>C, p.Val1477Ala (NM_001407956.1, NM_001407957.1, NM_001407958.1); c.4388T>C, p.Val1463Ala (NM_001407959.1); c.4385T>C, p.Val1462Ala (NM_001407960.1, NM_001407962.1); c.4382T>C, p.Val1461Ala (NM_001407963.1); and 70 more; short protein forms V1590A, V1611A, V1543A, V486A, V1461A, V1462A, V1501A, V1502A.
Identifiers: ClinVar variation 479272 (VCV000479272.6), dbSNP rs773524529, ClinGen allele CA053026.